The following is an entry in ClinVar:

NM_001382508.1(DROSHA):c.248C>T (p.Pro83Leu)

Gene: DROSHA (drosha ribonuclease III; minus strand). Cytogenetic location: 5p13.3.
Variant type: single nucleotide variant.
Coding change: c.248C>T on transcript NM_001382508.1 (MANE Select); coding-DNA position 248, C replaced by T.
Protein change: p.Pro83Leu; replaces proline 83 with leucine.
Molecular consequence: missense variant.
Genome position (GRCh38, 1-based): chr5:31,526,685, G>A on the plus strand (C>T on the coding strand, the complement: DROSHA is on the minus strand). VCF-style: chr5-31526685-G-A. GRCh37 (hg19) VCF-style: chr5-31526792-G-A.
Other names: c.248C>T, p.Pro83Leu (NM_001100412.2, NM_013235.5); short protein forms P83L.
Identifiers: ClinVar variation 791420 (VCV000791420.7), dbSNP rs149389256, ClinGen allele CA3217992.
Genomic context (GRCh38, chr5:31,526,685, plus strand): 5'-GGGAAAGGCGGCCTGATTGGGCAGGGGGGAAGAGGGCCTTGCGCTGACGGAGGCATGGGT[G>A]GGGGGAAGGGTACAAAGTCTGGTCGTGGAGGGAGAAAATTGGGGGCTGGAGAGTTTGAGA-3'
Protein context (NP_001369437.1, residues 73-93): PPRPDFVPFP[Pro83Leu]PMPPSAQGPL

ClinVar aggregate classification (germline): Likely benign. Review status: criteria provided, multiple submitters, no conflicts (2 of 4 stars). 3 submissions from 3 submitters: Likely benign (2). 1 of the submissions does not count toward it. Last evaluated 2019-12-31.

Conditions:
DROSHA-related disorder. Also called: DROSHA-related condition.

Allele frequency attached by ClinVar (database versions not stated): 1000 Genomes Project 30x 0.00078; 1000 Genomes Project 0.00080; gnomAD 0.00356; TOPMed 0.00394; ESP Exome Variant Server 0.00533.
gnomAD v4.1: 9,657 of 1,522,190 alleles (0.63%); highest among the groups gnomAD compares: Non-Finnish European, 0.8%; 44 homozygotes.

Submissions (3):

Labcorp Genetics (formerly Invitae), Labcorp
Classification: Likely benign. Last evaluated: 2019-12-31. Review status: criteria provided, single submitter. Criteria: Invitae Variant Classification Sherloc (09022015). Collection method: clinical testing. Allele origin: germline.

Breakthrough Genomics
Classification: Likely benign. Review status: criteria provided, single submitter. Criteria: ACMG Guidelines, 2015. Collection method: not provided. Allele origin: germline. Inheritance: Unknown mechanism. Affected: yes.

PreventionGenetics, part of Exact Sciences
Classification: Benign for DROSHA-related condition. Last evaluated: 2020-01-06. Review status: no assertion criteria provided. Collection method: clinical testing. Allele origin: germline. Not counted in ClinVar's aggregate classification.
Comment: This variant is classified as benign based on ACMG/AMP sequence variant interpretation guidelines (Richards et al. 2015 PMID: 25741868, with internal and published modifications).